The following is an entry in ClinVar:

NM_015102.5(NPHP4):c.2714G>A (p.Ser905Asn)

Gene: NPHP4 (nephrocystin 4; minus strand). Cytogenetic location: 1p36.31.
Variant type: single nucleotide variant.
Coding change: c.2714G>A on transcript NM_015102.5 (MANE Select); coding-DNA position 2714, G replaced by A.
Protein change: p.Ser905Asn; replaces serine 905 with asparagine.
Molecular consequence: missense variant. On other transcripts: non-coding transcript variant (1).
Genome position (GRCh38, 1-based): chr1:5,877,196, C>T on the plus strand (G>A on the coding strand, the complement: NPHP4 is on the minus strand). VCF-style: chr1-5877196-C-T. GRCh37 (hg19) VCF-style: chr1-5937256-C-T.
Other names: c.1175G>A, p.Ser392Asn (NM_001291593.2); c.1178G>A, p.Ser393Asn (NM_001291594.2); c.2714G>A (NM_015102.3); short protein forms S905N, S392N, S393N.
Identifiers: ClinVar variation 594942 (VCV000594942.18), dbSNP rs368298952, ClinGen allele CA553961.

ClinVar aggregate classification (germline): Conflicting classifications of pathogenicity. Review status: criteria provided, conflicting classifications (1 of 4 stars). 6 submissions from 6 submitters: Uncertain significance (5); Likely benign (1). Last evaluated 2026-02-27.

Conditions:
Nephronophthisis 4 (NPHP4). Also called: NEPHRONOPHTHISIS 4, JUVENILE. Identifiers: Orphanet 655, MedGen C1847013, MONDO:0011752, OMIM 606966.
Senior-Loken syndrome 4 (SLSN4). Identifiers: Orphanet 3156, MedGen C1846979, MONDO:0011756, OMIM 606996.
Inborn genetic diseases. Identifiers: MedGen C0950123, MeSH D030342.
NPHP4-related disorder. Also called: NPHP4-related disorders; NPHP4-related condition. Identifiers: MedGen CN239384.
Nephronophthisis. Also called: Juvenile Nephronophthisis. Identifiers: Orphanet 655, MedGen C0687120, MONDO:0019005, HP:0000090.

Allele frequency attached by ClinVar (database versions not stated): ESP Exome Variant Server 0.00024; gnomAD 0.00029 and 0.00033; TOPMed 0.00033.
gnomAD v4.1: 86 of 1,605,016 alleles (0.0054%); highest among the groups gnomAD compares: African/African-American, 0.1%; no homozygotes.

Submissions (6):

PreventionGenetics, part of Exact Sciences
Classification: Uncertain significance for NPHP4-related condition. Last evaluated: 2026-02-27. Review status: criteria provided, single submitter. Criteria: ACMG Guidelines, 2015. Collection method: clinical testing. Allele origin: germline.
Comment: The NPHP4 c.2714G>A variant is predicted to result in the amino acid substitution p.Ser905Asn. To our knowledge, this variant has not been reported in the literature. This variant is reported in 0.080% of alleles in individuals of African descent in gnomAD. Although we suspect that this variant may be benign, at this time, the clinical significance of this variant is uncertain due to the absence of conclusive functional and genetic evidence.

Labcorp Genetics (formerly Invitae), Labcorp
Classification: Uncertain significance for Nephronophthisis. Last evaluated: 2025-11-16. Review status: criteria provided, single submitter. Criteria: Invitae Variant Classification Sherloc (09022015). Collection method: clinical testing. Allele origin: germline.
Comment: This sequence change replaces serine, which is neutral and polar, with asparagine, which is neutral and polar, at codon 905 of the NPHP4 protein (p.Ser905Asn). This variant is present in population databases (rs368298952, gnomAD 0.08%). This variant has not been reported in the literature in individuals affected with NPHP4-related conditions. ClinVar contains an entry for this variant (Variation ID: 594942). Invitae Evidence Modeling of protein sequence and biophysical properties (such as structural, functional, and spatial information, amino acid conservation, physicochemical variation, residue mobility, and thermodynamic stability) indicates that this missense variant is not expected to disrupt NPHP4 protein function with a negative predictive value of 80%. In summary, the available evidence is currently insufficient to determine the role of this variant in disease. Therefore, it has been classified as a Variant of Uncertain Significance.

Ambry Genetics
Classification: Uncertain significance for Inborn genetic diseases. Last evaluated: 2024-12-07. Review status: criteria provided, single submitter. Criteria: Ambry Variant Classification Scheme 2023. Collection method: clinical testing. Allele origin: germline.

Blueprint Genetics
Classification: Likely benign. Last evaluated: 2024-11-11. Review status: criteria provided, single submitter. Criteria: ACMG Guidelines, 2015. Collection method: clinical testing. Allele origin: germline.

Fulgent Genetics
Classification: Uncertain significance for Nephronophthisis 4; Senior-Loken syndrome 4. Last evaluated: 2022-01-11. Review status: criteria provided, single submitter. Criteria: ACMG Guidelines, 2015. Collection method: clinical testing. Allele origin: unknown.

Eurofins Ntd Llc (ga)
Classification: Uncertain significance. Last evaluated: 2018-03-19. Review status: criteria provided, single submitter. Criteria: EGL ClinVar v180209 classification definitions. Collection method: clinical testing. Allele origin: germline. Observed: 2 variant alleles, 2 heterozygotes.